The following is an entry in ClinVar:

NM_033453.4(ITPA):c.128C>T (p.Pro43Leu)

Gene: ITPA (inosine triphosphatase; plus strand). Cytogenetic location: 20p13.
Variant type: single nucleotide variant.
Coding change: c.128C>T on transcript NM_033453.4 (MANE Select); coding-DNA position 128, C replaced by T.
Protein change: p.Pro43Leu; replaces proline 43 with leucine.
Molecular consequence: missense variant. On other transcripts: 5 prime UTR variant (4), intron variant (1).
Genome position (GRCh38, 1-based): chr20:3,213,322, C>T. VCF-style: chr20-3213322-C-T. GRCh37 (hg19) VCF-style: chr20-3193968-C-T.
Other names: c.-210C>T (NM_001324236.2, NM_001324237.2, NM_001324238.2 and 1 more transcripts); c.128C>T, p.Pro43Leu (NM_001324240.2); c.77C>T, p.Pro26Leu (NM_181493.4); c.67-663C>T (NM_001267623.2); c.128C>T (NM_033453.2); short protein forms P43L, P26L.
Identifiers: ClinVar variation 574417 (VCV000574417.9), dbSNP rs142979373, ClinGen allele CA9741178.

ClinVar aggregate classification (germline): Uncertain significance. Review status: criteria provided, multiple submitters, no conflicts (2 of 4 stars). 3 submissions from 3 submitters: Uncertain significance (3). Last evaluated 2024-10-15.

Conditions:
Inborn genetic diseases. Identifiers: MedGen C0950123, MeSH D030342.
Inosine triphosphatase deficiency. Also called: INOSINE TRIPHOSPHATE PYROPHOSPHOHYDROLASE DEFICIENCY. Identifiers: MedGen C0342800, MONDO:0013461, OMIM 613850.

Allele frequency attached by ClinVar (database versions not stated): ExAC 0.00005; gnomAD exomes 0.00005; gnomAD 0.00006 and 0.00007; ESP Exome Variant Server 0.00008; TOPMed 0.00009; 1000 Genomes Project 30x 0.00016; 1000 Genomes Project 0.00020.

Submissions (3):

GeneDx
Classification: Uncertain significance. Last evaluated: 2024-10-15. Review status: criteria provided, single submitter. Criteria: GeneDx Variant Classification Process June 2021. Collection method: clinical testing. Allele origin: germline. Affected: yes.
Comment: In silico analysis supports that this missense variant has a deleterious effect on protein structure/function; Has not been previously published as pathogenic or benign to our knowledge

Labcorp Genetics (formerly Invitae), Labcorp
Classification: Uncertain significance for Inosine triphosphatase deficiency. Last evaluated: 2024-05-29. Review status: criteria provided, single submitter. Criteria: Invitae Variant Classification Sherloc (09022015). Collection method: clinical testing. Allele origin: germline.
Comment: This sequence change replaces proline, which is neutral and non-polar, with leucine, which is neutral and non-polar, at codon 43 of the ITPA protein (p.Pro43Leu). This variant is present in population databases (rs142979373, gnomAD 0.03%). This variant has not been reported in the literature in individuals affected with ITPA-related conditions. ClinVar contains an entry for this variant (Variation ID: 574417). An algorithm developed to predict the effect of missense changes on protein structure and function (PolyPhen-2) suggests that this variant is likely to be disruptive. In summary, the available evidence is currently insufficient to determine the role of this variant in disease. Therefore, it has been classified as a Variant of Uncertain Significance.

Ambry Genetics
Classification: Uncertain significance for Inborn genetic diseases. Last evaluated: 2023-03-29. Review status: criteria provided, single submitter. Criteria: Ambry Variant Classification Scheme 2023. Collection method: clinical testing. Allele origin: germline.